The following is an entry in ClinVar:

ClinVar aggregate classification (germline): Uncertain significance (1 of 4 stars; one submission).

Submission:

GeneDx
Classification: Uncertain significance. Last evaluated: 2023-06-07. Review status: criteria provided, single submitter. Criteria: GeneDx Variant Classification Process June 2021. Collection method: clinical testing. Allele origin: germline. Affected: yes.
Comment: Not observed at significant frequency in large population cohorts (gnomAD); In silico analysis supports that this missense variant does not alter protein structure/function; Has not been previously published as pathogenic or benign to our knowledge

NM_001162501.2(TNRC6B):c.374C>G (p.Pro125Arg)

Gene: TNRC6B (trinucleotide repeat containing adaptor 6B; plus strand). Cytogenetic location: 22q13.1.
Variant type: single nucleotide variant.
Coding change: c.374C>G on transcript NM_001162501.2 (MANE Select); coding-DNA position 374, C replaced by G.
Protein change: p.Pro125Arg; replaces proline 125 with arginine.
Molecular consequence: missense variant.
Genome position (GRCh38, 1-based): chr22:40,262,090, C>G. VCF-style: chr22-40262090-C-G. GRCh37 (hg19) VCF-style: chr22-40658094-C-G.
Other names: c.482C>G, p.Pro161Arg (NM_001024843.2); c.374C>G, p.Pro125Arg (NM_015088.3); short protein forms P125R, P161R.
Identifiers: ClinVar variation 3359593 (VCV003359593.1).
Genomic context (GRCh38, chr22:40,262,090, plus strand): 5'-TAAAACGTGGGCAGCCCCCTCCACCGTCCTGCATGCTCCTTGGGGGTGGGGCAGGGCCTC[C>G]TCCCTGCACAGCACCTGGAGCAAACCCAAACAACGCACAAGTGACAGGAGCGCTGCTGCA-3'
Protein context (NP_001155973.1, residues 115-135): CMLLGGGAGP[Pro125Arg]PCTAPGANPN